The following is an entry in ClinVar:

ClinVar aggregate classification (germline): Likely benign. Review status: criteria provided, multiple submitters, no conflicts (2 of 4 stars). 3 submissions from 3 submitters: Likely benign (3). Last evaluated 2024-09-14.

Allele frequency attached by ClinVar (database versions not stated): 1000 Genomes Project 0.00020; 1000 Genomes Project 30x 0.00031; TOPMed 0.00032; gnomAD 0.00048; ESP Exome Variant Server 0.00092.
gnomAD v4.1: 834 of 1,614,190 alleles (0.052%); highest among the groups gnomAD compares: Non-Finnish European, 0.061%; no homozygotes.

Submissions (3):

Blueprint Genetics
Classification: Likely benign. Last evaluated: 2024-09-14. Review status: criteria provided, single submitter. Criteria: ACMG Guidelines, 2015. Collection method: clinical testing. Allele origin: germline.

CeGaT Center for Human Genetics Tuebingen
Classification: Likely benign. Last evaluated: 2022-05-01. Review status: criteria provided, single submitter. Criteria: CeGaT Center For Human Genetics Tuebingen Variant Classification Criteria Version 2. Collection method: clinical testing. Allele origin: germline. Affected: yes. Observed: 1 variant allele.
Comment: MYH8: BS2

Labcorp Genetics (formerly Invitae), Labcorp
Classification: Likely benign. Last evaluated: 2019-12-31. Review status: criteria provided, single submitter. Criteria: Invitae Variant Classification Sherloc (09022015). Collection method: clinical testing. Allele origin: germline.

NM_002472.3(MYH8):c.4784G>C (p.Arg1595Thr)

Genes: MYH8 (myosin heavy chain 8; minus strand), MYHAS (myosin heavy chain gene cluster antisense RNA; plus strand). Cytogenetic location: 17p13.1.
Variant type: single nucleotide variant.
Coding change: c.4784G>C on transcript NM_002472.3 (MANE Select); coding-DNA position 4784, G replaced by C.
Protein change: p.Arg1595Thr; replaces arginine 1595 with threonine.
Molecular consequence: missense variant.
Genome position (GRCh38, 1-based): chr17:10,395,311, C>G on the plus strand (G>C on the coding strand, the complement: MYH8 is on the minus strand). VCF-style: chr17-10395311-C-G. GRCh37 (hg19) VCF-style: chr17-10298628-C-G.
Other names: short protein forms R1595T.
Identifiers: ClinVar variation 788748 (VCV000788748.29), dbSNP rs145711576, ClinGen allele CA8387205.